The following is an entry in ClinVar:

ClinVar aggregate classification (germline): Pathogenic (1 of 4 stars; one submission).

Conditions:
Glycogen storage disease IV, classic hepatic. Also called: GSD IV, CLASSIC HEPATIC. Identifiers: MedGen C1856301.
Glycogen storage disease, type IV (GSD4). Also called: Glycogen storage disease due to glycogen branching enzyme deficiency; AMYLOPECTINOSIS; ANDERSEN DISEASE; BRANCHER DEFICIENCY; CIRRHOSIS, FAMILIAL, WITH DEPOSITION OF ABNORMAL GLYCOGEN; GBE1 DEFICIENCY. Identifiers: Orphanet 367, MedGen C0017923, MONDO:0009292, OMIM 232500.

Submission:

Labcorp Genetics (formerly Invitae), Labcorp
Classification: Pathogenic for Glycogen storage disease, type IV; Glycogen storage disease IV, classic hepatic. Last evaluated: 2021-03-23. Review status: criteria provided, single submitter. Criteria: Invitae Variant Classification Sherloc (09022015). Collection method: clinical testing. Allele origin: germline.
Comment: The region of the GBE1 gene that includes exon(s) 7 has been determined to be clinically significant (PMID: 21917543). Therefore, deletions that encompass that region are likely to disrupt protein function and cause disease. For these reasons, this variant has been classified as Pathogenic. This variant has not been reported in the literature in individuals with GBE1-related conditions. This variant is a gross deletion of the genomic region encompassing exon(s) 2-14 of the GBE1 gene. This variant would be expected to be in-frame, preserving the integrity of the reading frame.

Literature cited by the submitters: PubMed 21917543.

NC_000003.11:g.(?_81584336)_(81754774_?)del

Gene: GBE1 (1,4-alpha-glucan branching enzyme 1; minus strand). Cytogenetic location: 3p12.2.
Variant type: Deletion.
Identifiers: ClinVar variation 1453763 (VCV001453763.6).